The following is an entry in ClinVar:

NM_000465.4(BARD1):c.2117A>G (p.Lys706Arg)

Gene: BARD1 (BRCA1 associated RING domain 1; minus strand). Cytogenetic location: 2q35.
Variant type: single nucleotide variant.
Coding change: c.2117A>G on transcript NM_000465.4 (MANE Select); coding-DNA position 2117, A replaced by G.
Protein change: p.Lys706Arg; replaces lysine 706 with arginine.
Molecular consequence: missense variant. On other transcripts: non-coding transcript variant (3).
Genome position (GRCh38, 1-based): chr2:214,728,893, T>C on the plus strand (A>G on the coding strand, the complement: BARD1 is on the minus strand). VCF-style: chr2-214728893-T-C. GRCh37 (hg19) VCF-style: chr2-215593617-T-C.
Other names: c.2060A>G, p.Lys687Arg (NM_001282543.2); c.764A>G, p.Lys255Arg (NM_001282545.2); c.707A>G, p.Lys236Arg (NM_001282548.2); c.578A>G, p.Lys193Arg (NM_001282549.2); short protein forms K706R, K236R, K255R, K687R, K193R.
Identifiers: ClinVar variation 220993 (VCV000220993.18), dbSNP rs864622716, ClinGen allele CA349181.
Genomic context (GRCh38, chr2:214,728,893, plus strand): 5'-GGTCTCGCATGGTATGCGACTGTATTGATGGTCTGAGTCACGTCACTGTCTGGCTTGGGC[T>C]TTCTACTGAGGATCTGGCCCCCACCTGCAGTGACGAGCTTAATAAGGTTGTCCTTTGGAT-3'
Protein context (NP_000456.2, residues 696-716): TAGGGQILSR[Lys706Arg]PKPDSDVTQT

ClinVar aggregate classification (germline): Uncertain significance. Review status: criteria provided, multiple submitters, no conflicts (2 of 4 stars). 4 submissions from 4 submitters: Uncertain significance (4). Last evaluated 2025-12-22.

Conditions:
Hereditary cancer-predisposing syndrome. Also called: Hereditary neoplastic syndrome; Tumor predisposition; Hereditary Cancer Syndrome; Neoplastic Syndromes, Hereditary. Identifiers: Orphanet 140162, MedGen C0027672, MeSH D009386, MONDO:0015356.
Familial cancer of breast. Also called: hereditary breast carcinoma; Hereditary breast cancer; BREAST CANCER, FAMILIAL. Identifiers: Orphanet 227535, MedGen C0346153, MONDO:0016419, OMIM 114480. Disease mechanism: loss of function.

Allele frequency attached by ClinVar (database versions not stated): gnomAD exomes below 0.00001.
gnomAD v4.1: 3 of 1,614,202 alleles (0.00019%); highest among the groups gnomAD compares: Admixed American, 0.0017%; no homozygotes.

Submissions (4):

Labcorp Genetics (formerly Invitae), Labcorp
Classification: Uncertain significance for Familial cancer of breast. Last evaluated: 2025-12-22. Review status: criteria provided, single submitter. Criteria: Invitae Variant Classification Sherloc (09022015). Collection method: clinical testing. Allele origin: germline.
Comment: This sequence change replaces lysine, which is basic and polar, with arginine, which is basic and polar, at codon 706 of the BARD1 protein (p.Lys706Arg). This variant is present in population databases (no rsID available, gnomAD 0.003%). This variant has not been reported in the literature in individuals affected with BARD1-related conditions. ClinVar contains an entry for this variant (Variation ID: 220993). An algorithm developed to predict the effect of missense changes on protein structure and function outputs the following: PolyPhen-2: "Benign". The arginine amino acid residue is found in multiple mammalian species, which suggests that this missense change does not adversely affect protein function. In summary, the available evidence is currently insufficient to determine the role of this variant in disease. Therefore, it has been classified as a Variant of Uncertain Significance.

Ambry Genetics
Classification: Uncertain significance for Hereditary cancer-predisposing syndrome. Last evaluated: 2024-07-04. Review status: criteria provided, single submitter. Criteria: Ambry Variant Classification Scheme 2023. Collection method: clinical testing. Allele origin: germline.
Comment: The p.K706R variant (also known as c.2117A>G), located in coding exon 11 of the BARD1 gene, results from an A to G substitution at nucleotide position 2117. The lysine at codon 706 is replaced by arginine, an amino acid with highly similar properties. This amino acid position is not well conserved in available vertebrate species. In addition, this alteration is predicted to be tolerated by in silico analysis. Since supporting evidence is limited at this time, the clinical significance of this alteration remains unclear.

Baylor Genetics
Classification: Uncertain significance for Familial cancer of breast. Last evaluated: 2024-03-22. Review status: criteria provided, single submitter. Criteria: ACMG Guidelines, 2015. Collection method: clinical testing. Allele origin: unknown.

Color Diagnostics, LLC DBA Color Health
Classification: Uncertain significance for Hereditary cancer-predisposing syndrome. Last evaluated: 2022-01-05. Review status: criteria provided, single submitter. Criteria: ACMG Guidelines, 2015. Collection method: clinical testing. Allele origin: germline.
Comment: This missense variant replaces lysine with arginine at codon 706 of the BARD1 protein. Computational prediction suggests that this variant may not impact protein structure and function (internally defined REVEL score threshold <= 0.5, PMID: 27666373). To our knowledge, functional studies have not been reported for this variant. This variant has not been reported in individuals affected with hereditary cancer in the literature. This variant has been identified in 1/251320 chromosomes in the general population by the Genome Aggregation Database (gnomAD). The available evidence is insufficient to determine the role of this variant in disease conclusively. Therefore, this variant is classified as a Variant of Uncertain Significance.